The following is an entry in ClinVar:

NM_170606.3(KMT2C):c.11343G>A (p.Leu3781=)

Gene: KMT2C (lysine methyltransferase 2C; minus strand). Cytogenetic location: 7q36.1.
Variant type: single nucleotide variant.
Coding change: c.11343G>A on transcript NM_170606.3 (MANE Select); coding-DNA position 11343, G replaced by A.
Protein change: p.Leu3781=; no amino-acid change (leucine 3781 retained).
Molecular consequence: synonymous variant.
Genome position (GRCh38, 1-based): chr7:152,162,234, C>T on the plus strand (G>A on the coding strand, the complement: KMT2C is on the minus strand). VCF-style: chr7-152162234-C-T. GRCh37 (hg19) VCF-style: chr7-151859319-C-T.
Identifiers: ClinVar variation 1695215 (VCV001695215.32), dbSNP rs2092494610, ClinGen allele CA458885333.

ClinVar aggregate classification (germline): Likely benign. Review status: criteria provided, multiple submitters, no conflicts (2 of 4 stars). 2 submissions from 2 submitters: Likely benign (2). Last evaluated 2024-10-31.

Allele frequency attached by ClinVar (database versions not stated): gnomAD exomes below 0.00001; TOPMed below 0.00001.
gnomAD v4.1: 3 of 1,613,928 alleles (0.00019%); highest among the groups gnomAD compares: Non-Finnish European, 0.00025%; no homozygotes.

Submissions (2):

Blueprint Genetics
Classification: Likely benign. Last evaluated: 2024-10-31. Review status: criteria provided, single submitter. Criteria: ACMG Guidelines, 2015. Collection method: clinical testing. Allele origin: germline.

CeGaT Center for Human Genetics Tuebingen
Classification: Likely benign. Last evaluated: 2022-06-01. Review status: criteria provided, single submitter. Criteria: CeGaT Center For Human Genetics Tuebingen Variant Classification Criteria Version 2. Collection method: clinical testing. Allele origin: germline. Affected: yes. Observed: 1 variant allele.
Comment: KMT2C: PM2:Supporting, BP4, BP7